The following is an entry in ClinVar:

NM_014956.5(CEP164):c.887C>T (p.Ala296Val)

Gene: CEP164 (centrosomal protein 164; plus strand). Cytogenetic location: 11q23.3.
Variant type: single nucleotide variant.
Coding change: c.887C>T on transcript NM_014956.5 (MANE Select); coding-DNA position 887, C replaced by T.
Protein change: p.Ala296Val; replaces alanine 296 with valine.
Molecular consequence: missense variant.
Genome position (GRCh38, 1-based): chr11:117,371,201, C>T. VCF-style: chr11-117371201-C-T. GRCh37 (hg19) VCF-style: chr11-117241917-C-T.
Other names: c.887C>T, p.Ala296Val (NM_001271933.2, NM_001440949.1, NM_001440950.1 and 16 more transcripts); c.809C>T, p.Ala270Val (NM_001440952.1, NM_001440954.1, NM_001440955.1 and 17 more transcripts); c.749C>T, p.Ala250Val (NM_001440960.1); short protein forms A296V, A250V, A270V.
Identifiers: ClinVar variation 4997280 (VCV004997280.1).

ClinVar aggregate classification (germline): Uncertain significance (1 of 4 stars; one submission).

Conditions:
CEP164-related disorder. Also called: CEP164-related condition.

gnomAD v4.1: 3 of 1,614,220 alleles (0.00019%); highest among the groups gnomAD compares: Non-Finnish European, 0.00025%; no homozygotes.

Submission:

PreventionGenetics, part of Exact Sciences
Classification: Uncertain significance for CEP164-related condition. Last evaluated: 2025-06-25. Review status: criteria provided, single submitter. Criteria: ACMG Guidelines, 2015. Collection method: clinical testing. Allele origin: germline.
Comment: The CEP164 c.887C>T variant is predicted to result in the amino acid substitution p.Ala296Val. To our knowledge, this variant has not been reported in the literature or in a large population database (gnomAD), indicating this variant is rare. At this time, the clinical significance of this variant is uncertain due to the absence of conclusive functional and genetic evidence.